The following is an entry in ClinVar:

ClinVar aggregate classification (germline): Uncertain significance. Review status: criteria provided, multiple submitters, no conflicts (2 of 4 stars). 2 submissions from 2 submitters: Uncertain significance (2). Last evaluated 2025-10-13.

Conditions:
RASopathy. Also called: rasopathies; Noonan spectrum disorder. Identifiers: Orphanet 536391, MedGen C5555857, MONDO:0021060.

Allele frequency attached by ClinVar (database versions not stated): TOPMed below 0.00001; gnomAD exomes 0.00001.
gnomAD v4.1: 6 of 1,613,754 alleles (0.00037%); highest among the groups gnomAD compares: Non-Finnish European, 0.00051%; no homozygotes.

Submissions (2):

Labcorp Genetics (formerly Invitae), Labcorp
Classification: Uncertain significance for RASopathy. Last evaluated: 2025-10-13. Review status: criteria provided, single submitter. Criteria: Invitae Variant Classification Sherloc (09022015). Collection method: clinical testing. Allele origin: germline.
Comment: This sequence change replaces arginine, which is basic and polar, with cysteine, which is neutral and slightly polar, at codon 398 of the RAF1 protein (p.Arg398Cys). This variant is not present in population databases (gnomAD no frequency). This variant has not been reported in the literature in individuals affected with RAF1-related conditions. ClinVar contains an entry for this variant (Variation ID: 1978009). Invitae Evidence Modeling incorporating data from in vitro experimental studies (internal data) indicates that this missense variant is not expected to disrupt RAF1 function with a negative predictive value of 95%. In summary, the available evidence is currently insufficient to determine the role of this variant in disease. Therefore, it has been classified as a Variant of Uncertain Significance.

Blueprint Genetics
Classification: Uncertain significance. Last evaluated: 2024-03-26. Review status: criteria provided, single submitter. Criteria: ACMG Guidelines, 2015. Collection method: clinical testing. Allele origin: germline.

NM_002880.4(RAF1):c.1192C>T (p.Arg398Cys)

Gene: RAF1 (Raf-1 proto-oncogene, serine/threonine kinase; minus strand). Cytogenetic location: 3p25.2.
Variant type: single nucleotide variant.
Coding change: c.1192C>T on transcript NM_002880.4 (MANE Select); coding-DNA position 1192, C replaced by T.
Protein change: p.Arg398Cys; replaces arginine 398 with cysteine.
Molecular consequence: missense variant. On other transcripts: non-coding transcript variant (3).
Genome position (GRCh38, 1-based): chr3:12,591,709, G>A on the plus strand (C>T on the coding strand, the complement: RAF1 is on the minus strand). VCF-style: chr3-12591709-G-A. GRCh37 (hg19) VCF-style: chr3-12633208-G-A.
Other names: c.1252C>T, p.Arg418Cys (NM_001354689.3); c.1192C>T, p.Arg398Cys (NM_001354690.3); c.949C>T, p.Arg317Cys (NM_001354691.3, NM_001354692.3); c.1093C>T, p.Arg365Cys (NM_001354693.3); c.1009C>T, p.Arg337Cys (NM_001354694.3); c.850C>T, p.Arg284Cys (NM_001354695.3); short protein forms R337C, R365C, R317C, R398C, R284C, R418C.
Identifiers: ClinVar variation 1978009 (VCV001978009.6), dbSNP rs2058519735, ClinGen allele CA351503385.